The following is an entry in ClinVar:

ClinVar aggregate classification (germline): Likely pathogenic (1 of 4 stars; one submission).

Submission:

Labcorp Genetics (formerly Invitae), Labcorp
Classification: Likely pathogenic. Last evaluated: 2021-11-20. Review status: criteria provided, single submitter. Criteria: Invitae Variant Classification Sherloc (09022015). Collection method: clinical testing. Allele origin: germline.
Comment: This variant results in the deletion of part of exon 8 (c.698-12_702del) of the PRPF31 gene. It is expected to disrupt RNA splicing. Variants that disrupt the donor or acceptor splice site typically lead to a loss of protein function (PMID: 16199547), and loss-of-function variants in PRPF31 are known to be pathogenic (PMID: 18317597, 23950152). This variant is not present in population databases (gnomAD no frequency). This variant has not been reported in the literature in individuals affected with PRPF31-related conditions. Algorithms developed to predict the effect of sequence changes on RNA splicing suggest that this variant may disrupt the consensus splice site. In summary, the currently available evidence indicates that the variant is pathogenic, but additional data are needed to prove that conclusively. Therefore, this variant has been classified as Likely Pathogenic.

Literature cited by the submitters: PubMed 16199547; PubMed 18317597; PubMed 23950152.

NM_015629.4(PRPF31):c.698-12_702del

Gene: PRPF31 (pre-mRNA processing factor 31; plus strand). Cytogenetic location: 19q13.42.
Variant type: Deletion.
Coding change: c.698-12_702del on transcript NM_015629.4 (MANE Select); 12 bases into the intron before coding-DNA position 698 through coding-DNA position 702, 17 bases deleted (CTCCCACCGCAGGTGTG).
Molecular consequence: splice acceptor variant.
Genome position (GRCh38, 1-based): chr19:54,124,487-54,124,503, CTCCCACCGCAGGTGTG deleted. VCF-style (leftmost placement, unchanged base first): chr19-54124486-CCTCCCACCGCAGGTGTG-C. GRCh37 (hg19) VCF-style: chr19-54627865-CCTCCCACCGCAGGTGTG-C.
Identifiers: ClinVar variation 1500791 (VCV001500791.6), dbSNP rs2146424948, ClinGen allele CA2573156808.
Genomic context (GRCh38, chr19:54,124,486, plus strand): 5'-AGGCAGATTTACTCACCCCCACCTCTCTGCTTTCTTCTGACCGCCCCCCCTTCCTCCCTC[CCTCCCACCGCAGGTGTG>C]GCCGGCGGCCTGACCAACCTCTCCAAGATGCCCGCCTGCAACATCATGCTGCTCGGGGCC-3'